The following is an entry in ClinVar:

ClinVar aggregate classification (germline): Likely pathogenic (1 of 4 stars; one submission).

Conditions:
Primary ciliary dyskinesia 3. Identifiers: Orphanet 244, MedGen C1837618, MONDO:0012085, OMIM 608644.

Submission:

Myriad Genetics, Inc.
Classification: Likely pathogenic for Primary ciliary dyskinesia 3. Last evaluated: 2022-05-18. Review status: criteria provided, single submitter. Criteria: Myriad Women's Health Autosomal Recessive and X-Linked Classification Criteria (2021). Collection method: clinical testing. Allele origin: unknown.
Comment: NM_001369.2(DNAH5):c.7295dupT(D2434Rfs*27) is expected to be pathogenic in the context of DNAH5-related primary ciliary dyskinesia. This variant is predicted to lead to an abnormal or absent protein product due to the creation of a premature termination codon in DNAH5, a gene where loss-of-function variants are known to be pathogenic. Please note: this variant was assessed in the context of healthy population screening.

NM_001369.3(DNAH5):c.7295dup (p.Asp2434fs)

Gene: DNAH5 (dynein axonemal heavy chain 5; minus strand). Cytogenetic location: 5p15.2.
Variant type: Duplication.
Coding change: c.7295dup on transcript NM_001369.3 (MANE Select); coding-DNA position 7295, one base duplicated (T; older notation c.7295dupT).
Protein change: p.Asp2434fs; shifts the reading frame from aspartic acid 2434.
Molecular consequence: frameshift variant.
Genome position (GRCh38, 1-based): chr5:13,811,759, A duplicated on the plus strand (T on the coding strand, the reverse complement: DNAH5 is on the minus strand); the first of 3 consecutive A bases (chr5:13,811,759-13,811,761); duplicating any one gives the same sequence. VCF-style (leftmost placement, unchanged base first): chr5-13811758-G-GA. GRCh37 (hg19) VCF-style: chr5-13811867-G-GA.
Other names: short protein forms D2434fs.
Identifiers: ClinVar variation 1726120 (VCV001726120.2), dbSNP rs2546814755, ClinGen allele CA2580072037.